The following is an entry in ClinVar:

NM_000089.4(COL1A2):c.133-27T>C

Gene: COL1A2 (collagen type I alpha 2 chain; plus strand). Cytogenetic location: 7q21.3.
Variant type: single nucleotide variant.
Coding change: c.133-27T>C on transcript NM_000089.4 (MANE Select); 27 bases into the intron before coding-DNA position 133, T replaced by C.
Molecular consequence: intron variant.
Genome position (GRCh38, 1-based): chr7:94,400,169, T>C. VCF-style: chr7-94400169-T-C. GRCh37 (hg19) VCF-style: chr7-94029481-T-C.
Identifiers: ClinVar variation 675152 (VCV000675152.2), dbSNP rs141279380, ClinGen allele CA4346525.

ClinVar aggregate classification (germline): Likely benign. Review status: criteria provided, multiple submitters, no conflicts (2 of 4 stars). 2 submissions from 2 submitters: Likely benign (2). Last evaluated 2018-06-14.

Allele frequency attached by ClinVar (database versions not stated): 1000 Genomes Project 30x 0.00265; 1000 Genomes Project 0.00319; TOPMed 0.00646; gnomAD 0.00742 and 0.00769; ESP Exome Variant Server 0.00800; ExAC 0.00860; gnomAD exomes 0.00867 and 0.01012.

Submissions (2):

GeneDx
Classification: Likely benign. Last evaluated: 2018-06-14. Review status: criteria provided, single submitter. Criteria: GeneDx Variant Classification (06012015). Collection method: clinical testing. Allele origin: germline. Affected: yes.
Comment: This variant is considered likely benign or benign based on one or more of the following criteria: it is a conservative change, it occurs at a poorly conserved position in the protein, it is predicted to be benign by multiple in silico algorithms, and/or has population frequency not consistent with disease.

Breakthrough Genomics
Classification: Likely benign. Review status: criteria provided, single submitter. Criteria: ACMG Guidelines, 2015. Collection method: not provided. Allele origin: germline. Inheritance: Autosomal recessive inheritance. Affected: yes.